The following is an entry in ClinVar:

ClinVar aggregate classification (germline): Uncertain significance (1 of 4 stars; one submission).

Conditions:
Ehlers-Danlos syndrome, classic type, 1 (EDSCL1). Also called: EHLERS-DANLOS SYNDROME, GRAVIS TYPE; EHLERS-DANLOS SYNDROME, SEVERE CLASSIC TYPE; Ehlers-Danlos syndrome, type 1; Ehlers-Danlos Syndrome, Classic Type, COL5A1-Related; EDS I. Identifiers: MedGen C0268335, MONDO:0019567, OMIM 130000.

Submission:

Labcorp Genetics (formerly Invitae), Labcorp
Classification: Uncertain significance for Ehlers-Danlos syndrome, classic type, 1. Last evaluated: 2025-02-17. Review status: criteria provided, single submitter. Criteria: Invitae Variant Classification Sherloc (09022015). Collection method: clinical testing. Allele origin: germline.
Comment: This sequence change replaces glycine, which is neutral and non-polar, with arginine, which is basic and polar, at codon 637 of the COL5A1 protein (p.Gly637Arg). This variant is not present in population databases (gnomAD no frequency). This variant has not been reported in the literature in individuals affected with COL5A1-related conditions. Invitae Evidence Modeling of protein sequence and biophysical properties (such as structural, functional, and spatial information, amino acid conservation, physicochemical variation, residue mobility, and thermodynamic stability) indicates that this missense variant is expected to disrupt COL5A1 protein function with a positive predictive value of 95%. This variant disrupts the triple helix domain of COL5A1. Glycine residues within the Gly-Xaa-Yaa repeats of the triple helix domain are required for the structure and stability of fibrillar collagens (PMID: 7695699, 8218237, 19344236), and variants at these glycine residues in COL5A1 are more frequently observed in individuals with disease than in the general population (PMID: 22696272, 23587214). However, the clinical significance of this observation remains uncertain since only a limited number of affected individuals have been described to date. In summary, the available evidence is currently insufficient to determine the role of this variant in disease. Therefore, it has been classified as a Variant of Uncertain Significance.

Literature cited by the submitters: PubMed 7695699; PubMed 8218237; PubMed 19344236; PubMed 22696272; PubMed 23587214.

NM_000093.5(COL5A1):c.1909G>A (p.Gly637Arg)

Gene: COL5A1 (collagen type V alpha 1 chain; plus strand). Cytogenetic location: 9q34.3.
Variant type: single nucleotide variant.
Coding change: c.1909G>A on transcript NM_000093.5 (MANE Select); coding-DNA position 1909, G replaced by A.
Protein change: p.Gly637Arg; replaces glycine 637 with arginine.
Molecular consequence: missense variant.
Genome position (GRCh38, 1-based): chr9:134,758,270, G>A. VCF-style: chr9-134758270-G-A. GRCh37 (hg19) VCF-style: chr9-137650116-G-A.
Other names: c.1909G>A, p.Gly637Arg (NM_001278074.1); short protein forms G637R.
Identifiers: ClinVar variation 4738225 (VCV004738225.1).
Genomic context (GRCh38, chr9:134,758,270, plus strand): 5'-GCGTCTGAGGCAGCCTTTCTGTCCTTTTTGCAGGGTGACCGGGGTTTCGACGGCCTGGCT[G>A]GGTTGCCAGGCGAGAAGGGCCACAGGGTGAGTATTTCCTCTGTGAGACACAGGCATGACG-3'
Protein context (NP_000084.3, residues 627-647): KGDRGFDGLA[Gly637Arg]LPGEKGHRGD